The following is an entry in ClinVar:

NM_012123.4(MTO1):c.911A>C (p.His304Pro)

Gene: MTO1 (mitochondrial tRNA translation optimization 1; plus strand). Cytogenetic location: 6q13.
Variant type: single nucleotide variant.
Coding change: c.911A>C on transcript NM_012123.4 (MANE Select); coding-DNA position 911, A replaced by C.
Protein change: p.His304Pro; replaces histidine 304 with proline.
Molecular consequence: missense variant.
Genome position (GRCh38, 1-based): chr6:73,479,817, A>C. VCF-style: chr6-73479817-A-C. GRCh37 (hg19) VCF-style: chr6-74189540-A-C.
Other names: c.911A>C, p.His304Pro (NM_001123226.2, NM_133645.3); short protein forms H304P.
Identifiers: ClinVar variation 1361818 (VCV001361818.8), dbSNP rs1771433572, ClinGen allele CA364714496.

ClinVar aggregate classification (germline): Uncertain significance (1 of 4 stars; one submission).

Conditions:
Mitochondrial hypertrophic cardiomyopathy with lactic acidosis due to MTO1 deficiency. Also called: CARDIOMYOPATHY, INFANTILE HYPERTROPHIC MITOCHONDRIAL, AND LACTIC ACIDOSIS; Combined oxidative phosphorylation deficiency 10. Identifiers: Orphanet 314637, MedGen C4749921, MONDO:0013865, OMIM 614702.

Allele frequency attached by ClinVar (database versions not stated): gnomAD exomes below 0.00001; TOPMed below 0.00001.
gnomAD v4.1: 4 of 1,613,578 alleles (0.00025%); highest among the groups gnomAD compares: Non-Finnish European, 0.00034%; no homozygotes.

Submission:

Labcorp Genetics (formerly Invitae), Labcorp
Classification: Uncertain significance for Mitochondrial hypertrophic cardiomyopathy with lactic acidosis due to MTO1 deficiency. Last evaluated: 2023-05-08. Review status: criteria provided, single submitter. Criteria: Invitae Variant Classification Sherloc (09022015). Collection method: clinical testing. Allele origin: germline.
Comment: This variant has not been reported in the literature in individuals affected with MTO1-related conditions. This sequence change replaces histidine, which is basic and polar, with proline, which is neutral and non-polar, at codon 304 of the MTO1 protein (p.His304Pro). This variant is not present in population databases (gnomAD no frequency). ClinVar contains an entry for this variant (Variation ID: 1361818). Advanced modeling of protein sequence and biophysical properties (such as structural, functional, and spatial information, amino acid conservation, physicochemical variation, residue mobility, and thermodynamic stability) has been performed at Invitae for this missense variant, however the output from this modeling did not meet the statistical confidence thresholds required to predict the impact of this variant on MTO1 protein function. In summary, the available evidence is currently insufficient to determine the role of this variant in disease. Therefore, it has been classified as a Variant of Uncertain Significance.